The following is an entry in ClinVar:

ClinVar aggregate classification (germline): Benign/Likely benign. Review status: criteria provided, multiple submitters, no conflicts (2 of 4 stars). 9 submissions from 9 submitters: Benign (5); Likely benign (2). 2 of the submissions do not count toward it. Last evaluated 2026-02-01.

Conditions:
Fibrous dysplasia of jaw (CRBM). Also called: Cherubism. Identifiers: Orphanet 184, MedGen C0008029, MONDO:0007315, OMIM 118400.

Allele frequency attached by ClinVar (database versions not stated): gnomAD 0.00261 and 0.00306; TOPMed 0.00286; ESP Exome Variant Server 0.00315; 1000 Genomes Project 30x 0.00359; 1000 Genomes Project 0.00419.
gnomAD v4.1: 7,287 of 1,613,938 alleles (0.45%); highest among the groups gnomAD compares: South Asian, 1.4%; 34 homozygotes.

Submissions (9):

Labcorp Genetics (formerly Invitae), Labcorp
Classification: Benign for Fibrous dysplasia of jaw. Last evaluated: 2026-02-01. Review status: criteria provided, single submitter. Criteria: Invitae Variant Classification Sherloc (09022015). Collection method: clinical testing. Allele origin: germline.

Women's Health and Genetics/Laboratory Corporation of America, LabCorp
Classification: Likely benign. Last evaluated: 2026-01-22. Review status: criteria provided, single submitter. Criteria: LabCorp Variant Classification Summary - May 2015. Collection method: clinical testing. Allele origin: germline.

Genomic Medicine Center of Excellence, King Faisal Specialist Hospital and Research Centre
Classification: Likely benign. Last evaluated: 2025-08-18. Review status: criteria provided, single submitter. Criteria: ACMG Guidelines, 2015. Collection method: clinical testing. Allele origin: germline.

CeGaT Center for Human Genetics Tuebingen
Classification: Benign. Last evaluated: 2025-08-01. Review status: criteria provided, single submitter. Criteria: CeGaT Center For Human Genetics Tuebingen Variant Classification Criteria Version 2. Collection method: clinical testing. Allele origin: germline. Affected: yes. Observed: 1 variant allele.
Comment: SH3BP2: BS1, BS2

Mayo Clinic Laboratories, Mayo Clinic
Classification: Benign. Last evaluated: 2025-04-25. Review status: criteria provided, single submitter. Criteria: ACMG Guidelines, 2015. Collection method: clinical testing. Allele origin: germline. Observed: 11 variant alleles.
Comment: BS1, BS2

Illumina Laboratory Services, Illumina
Classification: Benign for Fibrous dysplasia of jaw. Last evaluated: 2018-01-12. Review status: criteria provided, single submitter. Criteria: ICSL Variant Classification Criteria 13 December 2019. Collection method: clinical testing. Allele origin: germline.
Comment: This variant was observed in the ICSL laboratory as part of a predisposition screen in an ostensibly healthy population. It had not been previously curated by ICSL or reported in the Human Gene Mutation Database (HGMD: prior to June 1st, 2018), and was therefore a candidate for classification through an automated scoring system. Utilizing variant allele frequency, disease prevalence and penetrance estimates, and inheritance mode, an automated score was calculated to assess if this variant is too frequent to cause the disease. Based on the score and internal cut-off values, a variant classified as benign is not then subjected to further curation. The score for this variant resulted in a classification of benign for this disease.

Breakthrough Genomics
Classification: Benign. Review status: criteria provided, single submitter. Criteria: ACMG Guidelines, 2015. Collection method: not provided. Allele origin: germline. Inheritance: Autosomal dominant inheritance. Affected: yes.

Diagnostic Laboratory, Department of Genetics, University Medical Center Groningen
Classification: Benign. Review status: no assertion criteria provided. Collection method: clinical testing. Allele origin: germline. Affected: yes. Study: VKGL Data-share Consensus. Not counted in ClinVar's aggregate classification.

Genome Diagnostics Laboratory, University Medical Center Utrecht
Classification: Likely benign. Review status: no assertion criteria provided. Collection method: clinical testing. Allele origin: germline. Affected: yes. Study: VKGL Data-share Consensus. Not counted in ClinVar's aggregate classification.

NM_001122681.2(SH3BP2):c.1429C>T (p.Arg477Trp)

Gene: SH3BP2 (SH3 domain binding protein 2; plus strand). Cytogenetic location: 4p16.3.
Variant type: single nucleotide variant.
Coding change: c.1429C>T on transcript NM_001122681.2 (MANE Select); coding-DNA position 1429, C replaced by T.
Protein change: p.Arg477Trp; replaces arginine 477 with tryptophan.
Molecular consequence: missense variant.
Genome position (GRCh38, 1-based): chr4:2,832,353, C>T. VCF-style: chr4-2832353-C-T. GRCh37 (hg19) VCF-style: chr4-2834080-C-T.
Other names: p.Arg477Trp; c.1513C>T, p.Arg505Trp (NM_001145855.2, LRG_1334t2); c.1600C>T, p.Arg534Trp (NM_001145856.2); c.1429C>T, p.Arg477Trp (NM_003023.4, LRG_1334t1); short protein forms R477W, R505W, R534W.
Identifiers: ClinVar variation 348592 (VCV000348592.31), dbSNP rs148761331, ClinGen allele CA2819548.
Genomic context (GRCh38, chr4:2,832,353, plus strand): 5'-AGGAGGACTCACCCGCTAATATGACTGTCTTATTTTAGGTTGTTCAAGGCTACAAGCCCC[C>T]GGGGAGAGCCCCAGGATGGACTCTACTGCATCCGGAACTCCTCTACCAAGTCGGGGAAGG-3'
Protein context (NP_001116153.1, residues 467-487): VERLFKATSP[Arg477Trp]GEPQDGLYCI